The following is an entry in ClinVar:

NM_000219.6(KCNE1):c.269A>T (p.Lys90Met)

Gene: KCNE1 (potassium voltage-gated channel subfamily E regulatory subunit 1; minus strand). Cytogenetic location: 21q22.12.
Variant type: single nucleotide variant.
Coding change: c.269A>T on transcript NM_000219.6 (MANE Select); coding-DNA position 269, A replaced by T.
Protein change: p.Lys90Met; replaces lysine 90 with methionine.
Molecular consequence: missense variant.
Genome position (GRCh38, 1-based): chr21:34,449,366, T>A on the plus strand (A>T on the coding strand, the complement: KCNE1 is on the minus strand). VCF-style: chr21-34449366-T-A. GRCh37 (hg19) VCF-style: chr21-35821664-T-A.
Other names: c.269A>T, p.Lys90Met (NM_001127668.4, NM_001127669.4, NM_001127670.4 and 4 more transcripts); short protein forms K90M.
Identifiers: ClinVar variation 3374489 (VCV003374489.2).

Conditions:
Long QT syndrome 5 (LQT5). Identifiers: Orphanet 101016, Orphanet 768, MedGen C1867904, MONDO:0013372, OMIM 613695.

Submission:

Roden Lab, Vanderbilt University Medical Center
No classification provided (evidence only). Condition: Long QT syndrome 5. Review status: no classification provided. Collection method: in vitro. Allele origin: not applicable. Functional consequence: Effect on ion channel function.
ClinVar note: "not provided" was previously submitted as the classification for the variant. However, the classification appeared to be based only on an observation of functional data so it was converted to no classification on 2025-07-30.